The following is an entry in ClinVar:

NM_000384.3(APOB):c.13285G>T (p.Ala4429Ser)

Gene: APOB (apolipoprotein B; minus strand). Cytogenetic location: 2p24.1.
Variant type: single nucleotide variant.
Coding change: c.13285G>T on transcript NM_000384.3 (MANE Select); coding-DNA position 13285, G replaced by T.
Protein change: p.Ala4429Ser; replaces alanine 4429 with serine.
Molecular consequence: missense variant.
Genome position (GRCh38, 1-based): chr2:21,002,137, C>A on the plus strand (G>T on the coding strand, the complement: APOB is on the minus strand). VCF-style: chr2-21002137-C-A. GRCh37 (hg19) VCF-style: chr2-21225009-C-A.
Other names: short protein forms A4429S.
Identifiers: ClinVar variation 3933603 (VCV003933603.2).

ClinVar aggregate classification (germline): Uncertain significance (1 of 4 stars; one submission).

Conditions:
Cardiovascular phenotype. Identifiers: MedGen CN230736.

Submission:

Ambry Genetics
Classification: Uncertain significance for Cardiovascular phenotype. Last evaluated: 2025-08-19. Review status: criteria provided, single submitter. Criteria: Ambry Variant Classification Scheme 2023. Collection method: clinical testing. Allele origin: germline.
Comment: The p.A4429S variant (also known as c.13285G>T), located in coding exon 29 of the APOB gene, results from a G to T substitution at nucleotide position 13285. The alanine at codon 4429 is replaced by serine, an amino acid with similar properties. This amino acid position is conserved. In addition, this alteration is predicted to be tolerated by in silico analysis. Based on the available evidence, the clinical significance of this variant remains unclear.